The following is an entry in ClinVar:

NM_001330311.2(DVL1):c.728C>T (p.Ser243Phe)

Gene: DVL1 (dishevelled segment polarity protein 1; minus strand). Cytogenetic location: 1p36.33.
Variant type: single nucleotide variant.
Coding change: c.728C>T on transcript NM_001330311.2 (MANE Select); coding-DNA position 728, C replaced by T.
Protein change: p.Ser243Phe; replaces serine 243 with phenylalanine.
Molecular consequence: missense variant.
Genome position (GRCh38, 1-based): chr1:1,340,288, G>A on the plus strand (C>T on the coding strand, the complement: DVL1 is on the minus strand). VCF-style: chr1-1340288-G-A. GRCh37 (hg19) VCF-style: chr1-1275668-G-A.
Other names: c.728C>T, p.Ser243Phe (NM_004421.3); short protein forms S243F.
Identifiers: ClinVar variation 4618077 (VCV004618077.2).
Genomic context (GRCh38, chr1:1,340,288, plus strand): 5'-CCTCGCCCCGAGGCCTCACCCATGTTGAGCGTGACAGTGACGATGTTGAGGGACATGGTG[G>A]AGTCGGTTATGCTGCTGAAGGAGGAGGCCTATGGAGGAGAGGGGGCGTGTGTAAAAGGCA-3'
Protein context (NP_001317240.1, residues 233-253): RASSFSSITD[Ser243Phe]TMSLNIVTVT

ClinVar aggregate classification (germline): Uncertain significance. Review status: criteria provided, multiple submitters, no conflicts (2 of 4 stars). 2 submissions from 2 submitters: Uncertain significance (2). Last evaluated 2025-10-29.

Conditions:
Inborn genetic diseases. Identifiers: MedGen C0950123, MeSH D030342.

Submissions (2):

Ambry Genetics
Classification: Uncertain significance for Inborn genetic diseases. Last evaluated: 2025-10-29. Review status: criteria provided, single submitter. Criteria: Ambry Variant Classification Scheme 2023. Collection method: clinical testing. Allele origin: germline.

Labcorp Genetics (formerly Invitae), Labcorp
Classification: Uncertain significance. Last evaluated: 2025-04-07. Review status: criteria provided, single submitter. Criteria: Invitae Variant Classification Sherloc (09022015). Collection method: clinical testing. Allele origin: germline.
Comment: This sequence change replaces serine, which is neutral and polar, with phenylalanine, which is neutral and non-polar, at codon 243 of the DVL1 protein (p.Ser243Phe). This variant is present in population databases (rs761969984, gnomAD 0.007%). This variant has not been reported in the literature in individuals affected with DVL1-related conditions. Invitae Evidence Modeling of protein sequence and biophysical properties (such as structural, functional, and spatial information, amino acid conservation, physicochemical variation, residue mobility, and thermodynamic stability) indicates that this missense variant is expected to disrupt DVL1 protein function with a positive predictive value of 80%. In summary, the available evidence is currently insufficient to determine the role of this variant in disease. Therefore, it has been classified as a Variant of Uncertain Significance.